The following is an entry in ClinVar:

NM_002049.4(GATA1):c.1036T>C (p.Cys346Arg)

Gene: GATA1 (GATA binding protein 1; plus strand). Cytogenetic location: Xp11.23.
Variant type: single nucleotide variant.
Coding change: c.1036T>C on transcript NM_002049.4 (MANE Select); coding-DNA position 1036, T replaced by C.
Protein change: p.Cys346Arg; replaces cysteine 346 with arginine.
Molecular consequence: missense variant.
Genome position (GRCh38, 1-based): chrX:48,793,958, T>C. VCF-style: chrX-48793958-T-C. GRCh37 (hg19) VCF-style: chrX-48652365-T-C.
Other names: c.1036T>C (NM_002049.3); short protein forms C346R.
Identifiers: ClinVar variation 1419050 (VCV001419050.12), dbSNP rs2147307619, ClinGen allele CA412871811.
Genomic context (GRCh38, chrX:48,793,958, plus strand): 5'-GCAGCCGAAGGACCAGCTGGTGGCTTTATGGTGGTGGCTGGGGGCAGCGGTAGCGGGAAT[T>C]GTGGGGAGGTGGCTTCAGGCCTGACACTGGGCCCCCCAGGTACTGCCCATCTCTACCAAG-3'
Protein context (NP_002040.1, residues 336-356): VVAGGSGSGN[Cys346Arg]GEVASGLTLG

ClinVar aggregate classification (germline): Uncertain significance. Review status: criteria provided, multiple submitters, no conflicts (2 of 4 stars). 3 submissions from 3 submitters: Uncertain significance (3). Last evaluated 2025-08-09.

Conditions:
Inborn genetic diseases. Identifiers: MedGen C0950123, MeSH D030342.
Diamond-Blackfan anemia. Also called: Blackfan Diamond syndrome; Aregenerative anemia chronic congenital; Red cell aplasia, pure hereditary; Congenital hypoplastic anemia; Aase syndrome. Identifiers: Orphanet 124, MedGen C1260899, MeSH D029503, MONDO:0015253, HP:0004810.
GATA binding protein 1 related thrombocytopenia with dyserythropoiesis. Also called: GATA1-Related Cytopenia; GATA1-Related X-Linked Cytopenia. Identifiers: MedGen C1845837, MONDO:0100089.

Submissions (3):

Ambry Genetics
Classification: Uncertain significance for Inborn genetic diseases. Last evaluated: 2025-08-09. Review status: criteria provided, single submitter. Criteria: Ambry Variant Classification Scheme 2023. Collection method: clinical testing. Allele origin: germline.

Revvity Omics, Revvity
Classification: Uncertain significance. Last evaluated: 2022-05-03. Review status: criteria provided, single submitter. Criteria: ACMG Guidelines, 2015. Collection method: clinical testing. Allele origin: germline.

Labcorp Genetics (formerly Invitae), Labcorp
Classification: Uncertain significance for GATA binding protein 1 related thrombocytopenia with dyserythropoiesis; Diamond-Blackfan anemia. Last evaluated: 2021-07-17. Review status: criteria provided, single submitter. Criteria: Invitae Variant Classification Sherloc (09022015). Collection method: clinical testing. Allele origin: germline.
Comment: This variant is not present in population databases (ExAC no frequency). This sequence change replaces cysteine with arginine at codon 346 of the GATA1 protein (p.Cys346Arg). The cysteine residue is weakly conserved and there is a large physicochemical difference between cysteine and arginine. This variant has not been reported in the literature in individuals affected with GATA1-related conditions. In summary, the available evidence is currently insufficient to determine the role of this variant in disease. Therefore, it has been classified as a Variant of Uncertain Significance. Algorithms developed to predict the effect of missense changes on protein structure and function are either unavailable or do not agree on the potential impact of this missense change (SIFT: "Tolerated"; PolyPhen-2: "Probably Damaging"; Align-GVGD: "Class C0").